The following is an entry in ClinVar:

ClinVar aggregate classification (germline): Uncertain significance (1 of 4 stars; one submission).

gnomAD v4.1: 11 of 1,613,892 alleles (0.00068%); highest among the groups gnomAD compares: South Asian, 0.0011%; no homozygotes.

Submission:

GeneDx
Classification: Uncertain significance. Last evaluated: 2024-11-26. Review status: criteria provided, single submitter. Criteria: GeneDx Variant Classification Process June 2021. Collection method: clinical testing. Allele origin: germline. Affected: yes.
Comment: Not observed at significant frequency in large population cohorts (gnomAD); In silico analysis supports that this missense variant has a deleterious effect on protein structure/function; Has not been previously published as pathogenic or benign to our knowledge

NM_001377265.1(MAPT):c.1956C>G (p.Ile652Met)

Gene: MAPT (microtubule associated protein tau). Cytogenetic location: 17q21.31.
Variant type: single nucleotide variant.
Coding change: c.1956C>G on transcript NM_001377265.1 (MANE Select); coding-DNA position 1956, C replaced by G.
Protein change: p.Ile652Met; replaces isoleucine 652 with methionine.
Molecular consequence: missense variant. On other transcripts: non-coding transcript variant (1).
Genome position (GRCh38, 1-based): chr17:45,996,622, C>G. VCF-style: chr17-45996622-C-G. GRCh37 (hg19) VCF-style: chr17-44073988-C-G.
Other names: c.1785C>G, p.Ile595Met (NM_001123066.4); c.693C>G, p.Ile231Met (NM_001123067.4, NM_001203251.2, NM_001377267.1); c.780C>G, p.Ile260Met (NM_001203252.2, NM_005910.6); c.1758C>G, p.Ile586Met (NM_001377266.1); c.606C>G, p.Ile202Met (NM_001377268.1, NM_016834.5, NM_016841.5); c.1731C>G, p.Ile577Met (NM_016835.5); short protein forms I202M, I231M, I260M, I577M, I586M, I595M, I652M.
Identifiers: ClinVar variation 3900143 (VCV003900143.1).